The following is an entry in ClinVar:

ClinVar aggregate classification (germline): Pathogenic (1 of 4 stars; one submission).

Submission:

Labcorp Genetics (formerly Invitae), Labcorp
Classification: Pathogenic. Last evaluated: 2025-04-29. Review status: criteria provided, single submitter. Criteria: Invitae Variant Classification Sherloc (09022015). Collection method: clinical testing. Allele origin: germline.
Comment: This sequence change creates a premature translational stop signal (p.Arg420Thrfs*2) in the PCNT gene. It is expected to result in an absent or disrupted protein product. Loss-of-function variants in PCNT are known to be pathogenic (PMID: 18174396, 22821869). This variant is not present in population databases (gnomAD no frequency). This variant has not been reported in the literature in individuals affected with PCNT-related conditions. For these reasons, this variant has been classified as Pathogenic.

Literature cited by the submitters: PubMed 18174396; PubMed 22821869.

NM_006031.6(PCNT):c.1257dup (p.Arg420fs)

Gene: PCNT (pericentrin; plus strand). Cytogenetic location: 21q22.3.
Variant type: Duplication.
Coding change: c.1257dup on transcript NM_006031.6 (MANE Select); coding-DNA position 1257, one base duplicated (A; older notation c.1257dupA).
Protein change: p.Arg420fs; shifts the reading frame from arginine 420.
Molecular consequence: frameshift variant.
Genome position (GRCh38, 1-based): chr21:46,349,733, A duplicated. VCF-style (leftmost placement, unchanged base first): chr21-46349732-T-TA. GRCh37 (hg19) VCF-style: chr21-47769646-T-TA.
Other names: c.903dup, p.Arg302fs (NM_001315529.2); short protein forms R302fs, R420fs.
Identifiers: ClinVar variation 4718323 (VCV004718323.1).
Genomic context (GRCh38, chr21:46,349,732, plus strand): 5'-TTACCTTTCTAGGGGCCCTTAGGAACCTGGAGAGTCATCATCAAGCAGCCATTGAGAAGT[T>TA]ACGTGAAGACCTGCAGTCCGAGCACGGCCGGTGTTTAGAAGACTTGGAGTTCAAGTTCAA-3'